The following is an entry in ClinVar:

ClinVar aggregate classification (germline): Uncertain significance (1 of 4 stars; one submission).

Conditions:
Charcot-Marie-Tooth disease dominant intermediate C (CMTDIC). Also called: CHARCOT-MARIE-TOOTH NEUROPATHY, DOMINANT INTERMEDIATE C. Identifiers: Orphanet 100045, MedGen C1842237, MONDO:0012012, OMIM 608323.

Submission:

Labcorp Genetics (formerly Invitae), Labcorp
Classification: Uncertain significance for Charcot-Marie-Tooth disease dominant intermediate C. Last evaluated: 2023-06-04. Review status: criteria provided, single submitter. Criteria: Invitae Variant Classification Sherloc (09022015). Collection method: clinical testing. Allele origin: germline.
Comment: In summary, the available evidence is currently insufficient to determine the role of this variant in disease. Therefore, it has been classified as a Variant of Uncertain Significance. This variant has not been reported in the literature in individuals affected with YARS-related conditions. This variant is a gross deletion of the genomic region encompassing exon(s) 9 of the YARS gene. This deletion is out-of-frame, and is expected to create a premature translational stop signal and result in an absent or disrupted protein product. However, the current clinical and genetic evidence is not sufficient to establish whether loss-of-function variants in YARS cause disease.

NC_000001.10:g.(?_33247985)_(33248160_?)del

Gene: YARS1 (tyrosyl-tRNA synthetase 1; minus strand). Cytogenetic location: 1p35.1.
Variant type: Deletion.
Identifiers: ClinVar variation 2424721 (VCV002424721.4).